The following is an entry in ClinVar:

NM_001110556.2(FLNA):c.2925G>C (p.Lys975Asn)

Gene: FLNA (filamin A; minus strand). Cytogenetic location: Xq28.
Variant type: single nucleotide variant.
Coding change: c.2925G>C on transcript NM_001110556.2 (MANE Select); coding-DNA position 2925, G replaced by C.
Protein change: p.Lys975Asn; replaces lysine 975 with asparagine.
Molecular consequence: missense variant.
Genome position (GRCh38, 1-based): chrX:154,361,689, C>G on the plus strand (G>C on the coding strand, the complement: FLNA is on the minus strand). VCF-style: chrX-154361689-C-G. GRCh37 (hg19) VCF-style: chrX-153590057-C-G.
Other names: p.K975N:AAG>AAC; p.Lys975Asn; c.2925G>C, p.Lys975Asn (NM_001456.4); short protein forms K975N.
Identifiers: ClinVar variation 213503 (VCV000213503.18), dbSNP rs375495397, ClinGen allele CA321868.
Genomic context (GRCh38, chrX:154,361,689, plus strand): 5'-ATGTGACAAAGGCCTTTGCGACAAGGGCCCCAACTACTTACTCTCTCCCAGGCCAGACAC[C>G]TTGATCTTGCTGAGGTCCAGGCTTGGAGATACTGCCACTGAGAAAGGGCTCTTAGGGATG-3'
Protein context (NP_001104026.1, residues 965-985): VSPSLDLSKI[Lys975Asn]VSGLGEKVDV

ClinVar aggregate classification (germline): Conflicting classifications of pathogenicity. Review status: criteria provided, conflicting classifications (1 of 4 stars). 4 submissions from 4 submitters: Uncertain significance (2); Benign (1); Likely benign (1). Last evaluated 2026-05-27.

Conditions:
Heterotopia, periventricular, X-linked dominant (PVNH1). Also called: PERIVENTRICULAR NODULAR HETEROTOPIA 4; HETEROTOPIA, PERIVENTRICULAR, 1; X-linked periventricular heterotopia; PERIVENTRICULAR NODULAR HETEROTOPIA 1. Identifiers: Orphanet 2149, Orphanet 82004, MedGen C1848213, MONDO:0010233, OMIM 300049.
Oto-palato-digital syndrome, type II (OPD2). Also called: Otopalatodigital Syndrome, Type II; Otopalatodigital Syndrome Type 2 (FLNA-OPD2); FACIOPALATOOSSEOUS SYNDROME; OPD II SYNDROME. Identifiers: Orphanet 669, Orphanet 90652, MedGen C1844696, MONDO:0010571, OMIM 304120.
Frontometaphyseal dysplasia (FMD1). Identifiers: Orphanet 1826, MedGen C0265293, MONDO:0015942.
Melnick-Needles syndrome (MNS). Also called: Melnick-Needles Syndrome (FLNA-MNS); MELNICK-NEEDLES OSTEODYSPLASTY; OSTEODYSPLASTY OF MELNICK AND NEEDLES. Identifiers: Orphanet 2484, MedGen C0025237, MONDO:0010650, OMIM 309350.
Familial thoracic aortic aneurysm and aortic dissection (TAAD). Also called: Thoracic aortic aneurysms and dissections. Identifiers: Orphanet 91387, MedGen C4707243, MONDO:0019625.

Allele frequency attached by ClinVar (database versions not stated): gnomAD 0.00003; gnomAD exomes 0.00001; TOPMed 0.00003; ESP Exome Variant Server 0.00020.
gnomAD v4.1: 32 of 1,208,262 alleles (0.0026%); highest among the groups gnomAD compares: African/African-American, 0.007%; no homozygotes.

Submissions (4):

Ambry Genetics
Classification: Uncertain significance for Familial thoracic aortic aneurysm and aortic dissection. Last evaluated: 2026-05-27. Review status: criteria provided, single submitter. Criteria: Ambry Variant Classification Scheme 2023. Collection method: clinical testing. Allele origin: germline.
Comment: The c.2925G>C (p.K975N) alteration is located in exon 20 (coding exon 19) of the FLNA gene. This alteration results from a G to C substitution at nucleotide position 2925, causing the lysine (K) at amino acid position 975 to be replaced by an asparagine (N). Based on data from gnomAD, the C allele has an overall frequency of 0.001% (2/181616) total alleles studied. The highest observed frequency was 0.008% (1/12380) of African alleles. Based on insufficient or conflicting evidence, the clinical significance of this alteration remains unclear.

Labcorp Genetics (formerly Invitae), Labcorp
Classification: Benign for Oto-palato-digital syndrome, type II; Heterotopia, periventricular, X-linked dominant; Frontometaphyseal dysplasia; Melnick-Needles syndrome. Last evaluated: 2026-01-17. Review status: criteria provided, single submitter. Criteria: Invitae Variant Classification Sherloc (09022015). Collection method: clinical testing. Allele origin: germline.

Mayo Clinic Laboratories, Mayo Clinic
Classification: Uncertain significance. Last evaluated: 2022-11-01. Review status: criteria provided, single submitter. Criteria: ACMG Guidelines, 2015. Collection method: clinical testing. Allele origin: germline. Observed: 1 variant allele.
Comment: PP2

GeneDx
Classification: Likely benign. Last evaluated: 2022-02-15. Review status: criteria provided, single submitter. Criteria: GeneDx Variant Classification Process June 2021. Collection method: clinical testing. Allele origin: germline. Affected: yes.